The following is an entry in ClinVar:

NM_001003841.3(SLC6A19):c.292C>T (p.Arg98Trp)

Gene: SLC6A19 (solute carrier family 6 member 19; plus strand). Cytogenetic location: 5p15.33.
Variant type: single nucleotide variant.
Coding change: c.292C>T on transcript NM_001003841.3 (MANE Select); coding-DNA position 292, C replaced by T.
Protein change: p.Arg98Trp; replaces arginine 98 with tryptophan.
Molecular consequence: missense variant.
Genome position (GRCh38, 1-based): chr5:1,208,835, C>T. VCF-style: chr5-1208835-C-T. GRCh37 (hg19) VCF-style: chr5-1208950-C-T.
Other names: short protein forms R98W.
Identifiers: ClinVar variation 1358021 (VCV001358021.5), dbSNP rs777046481, ClinGen allele CA3182643.

ClinVar aggregate classification (germline): Uncertain significance. Review status: criteria provided, multiple submitters, no conflicts (2 of 4 stars). 2 submissions from 2 submitters: Uncertain significance (2). Last evaluated 2023-09-13.

Conditions:
Iminoglycinuria. Identifiers: Orphanet 42062, MedGen C0268654, MONDO:0009448, OMIM 242600.
Neutral 1 amino acid transport defect (HND). Also called: Hartnup disease; HARTNUP DISORDER. Identifiers: Orphanet 2116, MedGen C0018609, MONDO:0009324, OMIM 234500.
Hyperglycinuria. Also called: GLYCINURIA WITH OR WITHOUT OXALATE NEPHROLITHIASIS; GLYCINURIA WITH OR WITHOUT OXALATE UROLITHIASIS; IMINOGLYCINURIA TYPE II. Identifiers: MedGen C0543541, MONDO:0007677, OMIM 138500, HP:0003108.

Allele frequency attached by ClinVar (database versions not stated): TOPMed 0.00002; gnomAD 0.00003; gnomAD exomes 0.00003 and 0.00004; ExAC 0.00005.

Submissions (2):

Labcorp Genetics (formerly Invitae), Labcorp
Classification: Uncertain significance. Last evaluated: 2023-09-13. Review status: criteria provided, single submitter. Criteria: Invitae Variant Classification Sherloc (09022015). Collection method: clinical testing. Allele origin: germline.
Comment: In summary, the available evidence is currently insufficient to determine the role of this variant in disease. Therefore, it has been classified as a Variant of Uncertain Significance. Advanced modeling of protein sequence and biophysical properties (such as structural, functional, and spatial information, amino acid conservation, physicochemical variation, residue mobility, and thermodynamic stability) has been performed at Invitae for this missense variant, however the output from this modeling did not meet the statistical confidence thresholds required to predict the impact of this variant on SLC6A19 protein function. ClinVar contains an entry for this variant (Variation ID: 1358021). This variant has not been reported in the literature in individuals affected with SLC6A19-related conditions. This variant is present in population databases (rs777046481, gnomAD 0.02%). This sequence change replaces arginine, which is basic and polar, with tryptophan, which is neutral and slightly polar, at codon 98 of the SLC6A19 protein (p.Arg98Trp).

Fulgent Genetics
Classification: Uncertain significance for Hyperglycinuria; Neutral 1 amino acid transport defect; Iminoglycinuria. Last evaluated: 2022-02-19. Review status: criteria provided, single submitter. Criteria: ACMG Guidelines, 2015. Collection method: clinical testing. Allele origin: unknown.